The following is an entry in ClinVar:

NC_000005.9:g.(?_112170638)_(112179823_?)del

Gene: APC (APC regulator of Wnt signaling pathway; plus strand). Cytogenetic location: 5q22.2.
Variant type: Deletion.
Identifiers: ClinVar variation 2422172 (VCV002422172.4).

ClinVar aggregate classification (germline): Pathogenic (1 of 4 stars; one submission).

Conditions:
Familial adenomatous polyposis 1 (FAP1). Also called: FAMILIAL ADENOMATOUS POLYPOSIS 1, ATTENUATED; POLYPOSIS, ADENOMATOUS INTESTINAL. Identifiers: MedGen C2713442, MONDO:0021056, OMIM 175100. Disease mechanism: loss of function.

Submission:

Labcorp Genetics (formerly Invitae), Labcorp
Classification: Pathogenic for Familial adenomatous polyposis 1. Last evaluated: 2023-09-27. Review status: criteria provided, single submitter. Criteria: Invitae Variant Classification Sherloc (09022015). Collection method: clinical testing. Allele origin: germline.
Comment: This variant is a gross deletion of the genomic region encompassing exon(s) 15-16 of the APC gene, which includes the termination codon. This deletion extends beyond the assayed region for this gene and therefore may encompass additional genes. While this deletion is not anticipated to lead to nonsense mediated decay, it is expected to alter mRNA translation or result in a truncated protein product. This variant has not been reported in the literature in individuals affected with APC-related conditions. This variant disrupts a region of the APC protein in which other variant(s) (p.Tyr2645Lysfs*14) have been determined to be pathogenic (PMID: 1316610, 8381579, 9824584, 22135120, 27081525; Invitae). This suggests that this is a clinically significant region of the protein, and that variants that disrupt it are likely to be disease-causing. For these reasons, this variant has been classified as Pathogenic.

Literature cited by the submitters: PubMed 1316610; PubMed 8381579; PubMed 9824584; PubMed 22135120; PubMed 27081525.